The following is an entry in ClinVar:

ClinVar aggregate classification (germline): Uncertain significance. Review status: criteria provided, multiple submitters, no conflicts (2 of 4 stars). 2 submissions from 2 submitters: Uncertain significance (2). Last evaluated 2025-10-05.

Conditions:
Cardiovascular phenotype. Identifiers: MedGen CN230736.

Allele frequency attached by ClinVar (database versions not stated): TOPMed below 0.00001.

Submissions (2):

Labcorp Genetics (formerly Invitae), Labcorp
Classification: Uncertain significance. Last evaluated: 2025-10-05. Review status: criteria provided, single submitter. Criteria: Invitae Variant Classification Sherloc (09022015). Collection method: clinical testing. Allele origin: germline.
Comment: This sequence change replaces threonine, which is neutral and polar, with isoleucine, which is neutral and non-polar, at codon 871 of the ALPK3 protein (p.Thr871Ile). This variant is not present in population databases (gnomAD no frequency). This variant has not been reported in the literature in individuals affected with ALPK3-related conditions. ClinVar contains an entry for this variant (Variation ID: 3227460). Invitae Evidence Modeling of protein sequence and biophysical properties (such as structural, functional, and spatial information, amino acid conservation, physicochemical variation, residue mobility, and thermodynamic stability) indicates that this missense variant is not expected to disrupt ALPK3 protein function with a negative predictive value of 80%. In summary, the available evidence is currently insufficient to determine the role of this variant in disease. Therefore, it has been classified as a Variant of Uncertain Significance.

Ambry Genetics
Classification: Uncertain significance for Cardiovascular phenotype. Last evaluated: 2024-02-25. Review status: criteria provided, single submitter. Criteria: Ambry Variant Classification Scheme 2023. Collection method: clinical testing. Allele origin: germline.
Comment: The p.T871I variant (also known as c.2612C>T), located in coding exon 6 of the ALPK3 gene, results from a C to T substitution at nucleotide position 2612. The threonine at codon 871 is replaced by isoleucine, an amino acid with similar properties. This amino acid position is conserved. In addition, this alteration is predicted to be tolerated by in silico analysis. Based on the available evidence, the clinical significance of this alteration remains unclear.

NM_020778.5(ALPK3):c.2006C>T (p.Thr669Ile)

Gene: ALPK3 (alpha kinase 3; plus strand). Cytogenetic location: 15q25.3.
Variant type: single nucleotide variant.
Coding change: c.2006C>T on transcript NM_020778.5 (MANE Select); coding-DNA position 2006, C replaced by T.
Protein change: p.Thr669Ile; replaces threonine 669 with isoleucine.
Molecular consequence: missense variant.
Genome position (GRCh38, 1-based): chr15:84,856,744, C>T. VCF-style: chr15-84856744-C-T. GRCh37 (hg19) VCF-style: chr15-85399975-C-T.
Other names: short protein forms T669I.
Identifiers: ClinVar variation 3227460 (VCV003227460.3), dbSNP rs1963866526, ClinGen allele CA393355582.